The following is an entry in ClinVar:

ClinVar aggregate classification (germline): Uncertain significance (1 of 4 stars; one submission).

Allele frequency attached by ClinVar (database versions not stated): gnomAD exomes below 0.00001.
gnomAD v4.1: 3 of 1,607,518 alleles (0.00019%); highest among the groups gnomAD compares: Non-Finnish European, 0.000085%; no homozygotes.

Submission:

Labcorp Genetics (formerly Invitae), Labcorp
Classification: Uncertain significance. Last evaluated: 2021-12-18. Review status: criteria provided, single submitter. Criteria: Invitae Variant Classification Sherloc (09022015). Collection method: clinical testing. Allele origin: germline.
Comment: This sequence change replaces glutamine, which is neutral and polar, with glutamic acid, which is acidic and polar, at codon 490 of the SBF1 protein (p.Gln490Glu). This variant is not present in population databases (gnomAD no frequency). This variant has not been reported in the literature in individuals affected with SBF1-related conditions. Algorithms developed to predict the effect of missense changes on protein structure and function are either unavailable or do not agree on the potential impact of this missense change (SIFT: "Tolerated"; PolyPhen-2: "Possibly Damaging"; Align-GVGD: "Class C0"). In summary, the available evidence is currently insufficient to determine the role of this variant in disease. Therefore, it has been classified as a Variant of Uncertain Significance.

NM_002972.4(SBF1):c.1468C>G (p.Gln490Glu)

Gene: SBF1 (SET binding factor 1; minus strand). Cytogenetic location: 22q13.33.
Variant type: single nucleotide variant.
Coding change: c.1468C>G on transcript NM_002972.4 (MANE Select); coding-DNA position 1468, C replaced by G.
Protein change: p.Gln490Glu; replaces glutamine 490 with glutamic acid.
Molecular consequence: missense variant.
Genome position (GRCh38, 1-based): chr22:50,464,702, G>C on the plus strand (C>G on the coding strand, the complement: SBF1 is on the minus strand). VCF-style: chr22-50464702-G-C. GRCh37 (hg19) VCF-style: chr22-50903131-G-C.
Other names: c.1471C>G, p.Gln491Glu (NM_001365819.1, NM_001410794.1); c.1468C>G, p.Gln490Glu (NM_001410795.1, NM_197971.1); short protein forms Q490E, Q491E.
Identifiers: ClinVar variation 2046175 (VCV002046175.4), dbSNP rs1556430454, ClinGen allele CA412217771.